The following is an entry in ClinVar:

NM_001367624.2(ZNF469):c.62G>A (p.Arg21His)

Gene: ZNF469 (zinc finger protein 469; plus strand). Cytogenetic location: 16q24.2.
Variant type: single nucleotide variant.
Coding change: c.62G>A on transcript NM_001367624.2 (MANE Select); coding-DNA position 62, G replaced by A.
Protein change: p.Arg21His; replaces arginine 21 with histidine.
Molecular consequence: missense variant.
Genome position (GRCh38, 1-based): chr16:88,427,532, G>A. VCF-style: chr16-88427532-G-A. GRCh37 (hg19) VCF-style: chr16-88493940-G-A.
Other names: NM_001127464.1:c.62G>A; NM_001127464.2:c.62G>A; p.Arg21His; c.62G>A (NM_001367624.1); short protein forms R21H.
Identifiers: ClinVar variation 320846 (VCV000320846.50), dbSNP rs145178398, ClinGen allele CA8224567.

ClinVar aggregate classification (germline): Benign/Likely benign. Review status: criteria provided, multiple submitters, no conflicts (2 of 4 stars). 11 submissions from 11 submitters: Benign (7); Likely benign (4). Last evaluated 2026-08-01.

Conditions:
Cardiovascular phenotype. Identifiers: MedGen CN230736.
Ehlers-Danlos syndrome (EDS). Identifiers: Orphanet 98249, MedGen C0013720, MONDO:0020066.
Brittle cornea syndrome 1 (BCS1). Also called: Corneal fragility keratoglobus, blue sclerae AND joint hypermobility; DYSGENESIS MESODERMALIS CORNEAE ET SCLERAE; CORNEAL FRAGILITY, KERATOGLOBUS, BLUE SCLERAE, JOINT HYPEREXTENSIBILITY; EDS6B; FRAGILITAS OCULI WITH JOINT HYPEREXTENSIBILITY. Identifiers: Orphanet 90354, MedGen C0268344, MONDO:0024543, OMIM 229200.

Allele frequency attached by ClinVar (database versions not stated): 1000 Genomes Project 30x 0.00422; gnomAD 0.00473; 1000 Genomes Project 0.00499; TOPMed 0.00542; ExAC 0.01180.
gnomAD v4.1: 12,085 of 1,535,538 alleles (0.79%); highest among the groups gnomAD compares: Non-Finnish European, 0.88%; 62 homozygotes.

Submissions (11):

CeGaT Center for Human Genetics Tuebingen
Classification: Likely benign. Last evaluated: 2026-08-01. Review status: criteria provided, single submitter. Criteria: CeGaT Center For Human Genetics Tuebingen Variant Classification Criteria Version 2. Collection method: clinical testing. Allele origin: germline. Affected: yes. Observed: 46 variant alleles.
Comment: ZNF469: BP4, BS2

Women's Health and Genetics/Laboratory Corporation of America, LabCorp
Classification: Benign. Last evaluated: 2026-04-01. Review status: criteria provided, single submitter. Criteria: LabCorp Variant Classification Summary - May 2015. Collection method: clinical testing. Allele origin: germline.
Comment: Variant summary: ZNF469 c.62G>A (p.Arg21His) results in a non-conservative amino acid change in the encoded protein sequence. Algorithms developed to predict the effect of missense changes on protein structure and function are either unavailable or do not agree on the potential impact of this missense change. The variant allele was found at a frequency of 0.0079 in 1535538 control chromosomes, predominantly at a frequency of 0.0088 within the Non-Finnish European subpopulation in the gnomAD database, including 46 homozygotes. The observed variant frequency within Non-Finnish European control individuals in the gnomAD database exceeds the estimated maximal expected allele frequency for disease-causing variants in ZNF469. c.62G>A has been observed in at least one individual affected with keratoconus, without strong evidence of causality (example: Lombardo_2024). This report does not provide unequivocal conclusions about association of the variant with Brittle cornea syndrome 1. To our knowledge, no experimental evidence demonstrating an impact on protein function has been reported. The following publications has been ascertained in the context of this evaluation (PMID: 38684849). ClinVar contains an entry for this variant (Variation ID: 320846). Based on the evidence outlined above, the variant was classified as benign.

Labcorp Genetics (formerly Invitae), Labcorp
Classification: Benign. Last evaluated: 2026-02-04. Review status: criteria provided, single submitter. Criteria: Invitae Variant Classification Sherloc (09022015). Collection method: clinical testing. Allele origin: germline.

Blueprint Genetics
Classification: Likely benign. Last evaluated: 2024-11-27. Review status: criteria provided, single submitter. Criteria: ACMG Guidelines, 2015. Collection method: clinical testing. Allele origin: germline.

Mayo Clinic Laboratories, Mayo Clinic
Classification: Benign. Last evaluated: 2023-02-01. Review status: criteria provided, single submitter. Criteria: ACMG Guidelines, 2015. Collection method: clinical testing. Allele origin: germline. Observed: 52 variant alleles.
Comment: BS1, BS2, BP4

Genome-Nilou Lab
Classification: Benign for Brittle cornea syndrome 1. Last evaluated: 2021-12-05. Review status: criteria provided, single submitter. Criteria: ACMG Guidelines, 2015. Collection method: clinical testing. Allele origin: germline. Affected: no.

Genome Diagnostics Laboratory, The Hospital for Sick Children
Classification: Benign for Ehlers-Danlos syndrome. Last evaluated: 2021-09-25. Review status: criteria provided, single submitter. Criteria: ACMG Guidelines, 2015. Collection method: clinical testing. Allele origin: germline.

Fulgent Genetics
Classification: Likely benign for Brittle cornea syndrome 1. Last evaluated: 2021-07-07. Review status: criteria provided, single submitter. Criteria: ACMG Guidelines, 2015. Collection method: clinical testing. Allele origin: unknown.

Ambry Genetics
Classification: Benign for Cardiovascular phenotype. Last evaluated: 2019-01-09. Review status: criteria provided, single submitter. Criteria: Ambry Variant Classification Scheme 2023. Collection method: clinical testing. Allele origin: germline.

GeneDx
Classification: Benign. Last evaluated: 2016-12-12. Review status: criteria provided, single submitter. Criteria: GeneDx Variant Classification (06012015). Collection method: clinical testing. Allele origin: germline. Affected: yes.
Comment: This variant is considered likely benign or benign based on one or more of the following criteria: it is a conservative change, it occurs at a poorly conserved position in the protein, it is predicted to be benign by multiple in silico algorithms, and/or has population frequency not consistent with disease.

Breakthrough Genomics
Classification: Likely benign. Review status: criteria provided, single submitter. Criteria: ACMG Guidelines, 2015. Collection method: not provided. Allele origin: germline. Inheritance: Autosomal recessive inheritance. Affected: yes.

Literature cited by the submitters: PubMed 29843651 (cited by Women's Health and Genetics/Laboratory Corporation of America, LabCorp); PubMed 24895405 (cited by Women's Health and Genetics/Laboratory Corporation of America, LabCorp); PubMed 38684849 (cited by Women's Health and Genetics/Laboratory Corporation of America, LabCorp).